The following is an entry in ClinVar:

ClinVar aggregate classification (germline): Uncertain significance. Review status: criteria provided, multiple submitters, no conflicts (2 of 4 stars). 4 submissions from 4 submitters: Uncertain significance (2). 2 of the submissions do not count toward it. Last evaluated 2025-03-31.

Allele frequency attached by ClinVar (database versions not stated): ExAC 0.00006; gnomAD exomes 0.00007; ESP Exome Variant Server 0.00015.
gnomAD v4.1: 111 of 1,612,972 alleles (0.0069%); highest among the groups gnomAD compares: African/African-American, 0.013%; no homozygotes.

Submissions (4):

Labcorp Genetics (formerly Invitae), Labcorp
Classification: Uncertain significance. Last evaluated: 2025-03-31. Review status: criteria provided, single submitter. Criteria: Invitae Variant Classification Sherloc (09022015). Collection method: clinical testing. Allele origin: germline.
Comment: This sequence change replaces arginine, which is basic and polar, with cysteine, which is neutral and slightly polar, at codon 560 of the OCA2 protein (p.Arg560Cys). This variant is present in population databases (rs147905292, gnomAD 0.01%). This missense change has been observed in individual(s) with clinical features of OCA2-related conditions (PMID: 28667292). This variant is also known as c.1606C>T (p.R536C). ClinVar contains an entry for this variant (Variation ID: 1304554). Invitae Evidence Modeling of protein sequence and biophysical properties (such as structural, functional, and spatial information, amino acid conservation, physicochemical variation, residue mobility, and thermodynamic stability) has been performed for this missense variant. However, the output from this modeling did not meet the statistical confidence thresholds required to predict the impact of this variant on OCA2 protein function. In summary, the available evidence is currently insufficient to determine the role of this variant in disease. Therefore, it has been classified as a Variant of Uncertain Significance.

GeneDx
Classification: Uncertain significance. Last evaluated: 2020-03-11. Review status: criteria provided, single submitter. Criteria: GeneDx Variant Classification Process June 2021. Collection method: clinical testing. Allele origin: germline. Affected: yes.
Comment: In silico analysis supports that this missense variant has a deleterious effect on protein structure/function; Observed as a single heterozygous variant with no second OCA2 variant identified in a patient with hypomorphic albinism in the published literature; described as R536C using alternate nomenclature (Norman et al., 2017); This variant is associated with the following publications: (PMID: 23824587, 28667292)

Clinical Genetics DNA and cytogenetics Diagnostics Lab, Erasmus MC, Erasmus Medical Center
Classification: Uncertain significance. Review status: no assertion criteria provided. Collection method: clinical testing. Allele origin: germline. Affected: yes. Study: VKGL Data-share Consensus. Not counted in ClinVar's aggregate classification.

Clinical Genetics, Academic Medical Center
Classification: Uncertain significance. Review status: no assertion criteria provided. Collection method: clinical testing. Allele origin: germline. Affected: yes. Study: VKGL Data-share Consensus. Not counted in ClinVar's aggregate classification.

Literature cited by the submitters: PubMed 28667292 (cited by Labcorp Genetics (formerly Invitae), Labcorp).

NM_000275.3(OCA2):c.1678C>T (p.Arg560Cys)

Gene: OCA2 (OCA2 melanosomal transmembrane protein; minus strand). Cytogenetic location: 15q13.1.
Variant type: single nucleotide variant.
Coding change: c.1678C>T on transcript NM_000275.3 (MANE Select); coding-DNA position 1678, C replaced by T.
Protein change: p.Arg560Cys; replaces arginine 560 with cysteine.
Molecular consequence: missense variant.
Genome position (GRCh38, 1-based): chr15:27,957,694, G>A on the plus strand (C>T on the coding strand, the complement: OCA2 is on the minus strand). VCF-style: chr15-27957694-G-A. GRCh37 (hg19) VCF-style: chr15-28202840-G-A.
Other names: c.1606C>T, p.Arg536Cys (NM_001300984.2); short protein forms R536C, R560C.
Identifiers: ClinVar variation 1304554 (VCV001304554.9), dbSNP rs147905292, ClinGen allele CA7438948.